The following is an entry in ClinVar:

NM_001122769.3(LCA5):c.863del (p.Lys288fs)

Gene: LCA5 (lebercilin LCA5; minus strand). Cytogenetic location: 6q14.1.
Variant type: Deletion.
Coding change: c.863del on transcript NM_001122769.3 (MANE Select); coding-DNA position 863, one base deleted (A; older notation c.863delA).
Protein change: p.Lys288fs; shifts the reading frame from lysine 288.
Molecular consequence: frameshift variant.
Genome position (GRCh38, 1-based): chr6:79,492,643, T deleted on the plus strand (A on the coding strand, the reverse complement: LCA5 is on the minus strand); the first of 4 consecutive T bases (chr6:79,492,643-79,492,646); deleting any one gives the same sequence. VCF-style (leftmost placement, unchanged base first): chr6-79492642-CT-C. GRCh37 (hg19) VCF-style: chr6-80202359-CT-C.
Other names: c.863del, p.Lys288fs (NM_181714.4); short protein forms K288fs.
Identifiers: ClinVar variation 2822445 (VCV002822445.3), dbSNP rs2533389061, ClinGen allele CA2517822321.

ClinVar aggregate classification (germline): Pathogenic (1 of 4 stars; one submission).

Submission:

Labcorp Genetics (formerly Invitae), Labcorp
Classification: Pathogenic. Last evaluated: 2022-12-20. Review status: criteria provided, single submitter. Criteria: Invitae Variant Classification Sherloc (09022015). Collection method: clinical testing. Allele origin: germline.
Comment: For these reasons, this variant has been classified as Pathogenic. Algorithms developed to predict the effect of sequence changes on RNA splicing suggest that this variant may create or strengthen a splice site. This variant has not been reported in the literature in individuals affected with LCA5-related conditions. This variant is not present in population databases (gnomAD no frequency). This sequence change creates a premature translational stop signal (p.Lys288Argfs*7) in the LCA5 gene. It is expected to result in an absent or disrupted protein product. Loss-of-function variants in LCA5 are known to be pathogenic (PMID: 17546029, 23946133).

Literature cited by the submitters: PubMed 17546029; PubMed 23946133.